The following is an entry in ClinVar:

ClinVar aggregate classification (germline): Benign. Review status: criteria provided, multiple submitters, no conflicts (2 of 4 stars). 8 submissions from 8 submitters: Benign (6). 2 of the submissions do not count toward it. Last evaluated 2026-02-03.

Conditions:
Familial encephalopathy with neuroserpin inclusion bodies. Also called: ENCEPHALOPATHY, FAMILIAL, WITH COLLINS BODIES. Identifiers: Orphanet 85110, MedGen C1858680, MONDO:0011412, OMIM 604218.

Allele frequency attached by ClinVar (database versions not stated): gnomAD exomes 0.09406 and 0.09961; ExAC 0.09793; 1000 Genomes Project 0.11422; 1000 Genomes Project 30x 0.11477; ESP Exome Variant Server 0.12556; gnomAD 0.12693 and 0.13145; TOPMed 0.13092.
gnomAD v4.1: 156,708 of 1,613,114 alleles (9.7%); highest among the groups gnomAD compares: African/African-American, 21%; 8,649 homozygotes.

Submissions (8):

Labcorp Genetics (formerly Invitae), Labcorp
Classification: Benign for Familial encephalopathy with neuroserpin inclusion bodies. Last evaluated: 2026-02-03. Review status: criteria provided, single submitter. Criteria: Invitae Variant Classification Sherloc (09022015). Collection method: clinical testing. Allele origin: germline.

Blueprint Genetics
Classification: Benign. Last evaluated: 2024-11-26. Review status: criteria provided, single submitter. Criteria: ACMG Guidelines, 2015. Collection method: clinical testing. Allele origin: germline.

GeneDx
Classification: Benign. Last evaluated: 2021-05-05. Review status: criteria provided, single submitter. Criteria: GeneDx Variant Classification Process June 2021. Collection method: clinical testing. Allele origin: germline. Affected: yes.

Mayo Clinic Laboratories, Mayo Clinic
Classification: Benign. Last evaluated: 2018-04-10. Review status: criteria provided, single submitter. Criteria: ACMG Guidelines, 2015. Collection method: clinical testing. Allele origin: germline. Observed: 134 variant alleles.

Illumina Laboratory Services, Illumina
Classification: Benign for Familial encephalopathy with neuroserpin inclusion bodies. Last evaluated: 2018-01-13. Review status: criteria provided, single submitter. Criteria: ICSL Variant Classification Criteria 13 December 2019. Collection method: clinical testing. Allele origin: germline.
Comment: This variant was observed in the ICSL laboratory as part of a predisposition screen in an ostensibly healthy population. It had not been previously curated by ICSL or reported in the Human Gene Mutation Database (HGMD: prior to June 1st, 2018), and was therefore a candidate for classification through an automated scoring system. Utilizing variant allele frequency, disease prevalence and penetrance estimates, and inheritance mode, an automated score was calculated to assess if this variant is too frequent to cause the disease. Based on the score and internal cut-off values, a variant classified as benign is not then subjected to further curation. The score for this variant resulted in a classification of benign for this disease.

Breakthrough Genomics
Classification: Benign. Review status: criteria provided, single submitter. Criteria: ACMG Guidelines, 2015. Collection method: not provided. Allele origin: germline. Inheritance: Autosomal dominant inheritance. Affected: yes.

Clinical Genetics DNA and cytogenetics Diagnostics Lab, Erasmus MC, Erasmus Medical Center
Classification: Benign. Review status: no assertion criteria provided. Collection method: clinical testing. Allele origin: germline. Affected: yes. Study: VKGL Data-share Consensus. Not counted in ClinVar's aggregate classification.

Genome Diagnostics Laboratory, Amsterdam University Medical Center
Classification: Benign. Review status: no assertion criteria provided. Collection method: clinical testing. Allele origin: germline. Affected: yes. Study: VKGL Data-share Consensus. Not counted in ClinVar's aggregate classification.

NM_001122752.2(SERPINI1):c.21C>G (p.Phe7Leu)

Gene: SERPINI1 (serpin family I member 1; plus strand). Cytogenetic location: 3q26.1.
Variant type: single nucleotide variant.
Coding change: c.21C>G on transcript NM_001122752.2 (MANE Select); coding-DNA position 21, C replaced by G.
Protein change: p.Phe7Leu; replaces phenylalanine 7 with leucine.
Molecular consequence: missense variant.
Genome position (GRCh38, 1-based): chr3:167,789,149, C>G. VCF-style: chr3-167789149-C-G. GRCh37 (hg19) VCF-style: chr3-167506937-C-G.
Other names: p.Phe7Leu; c.21C>G, p.Phe7Leu (NM_005025.5); short protein forms F7L.
Identifiers: ClinVar variation 344118 (VCV000344118.19), dbSNP rs33917740, ClinGen allele CA2694709.
Genomic context (GRCh38, chr3:167,789,149, plus strand): 5'-TATGTAAATTGTTGTTTTTTAGGCTTGAAACTGTTACAATATGGCTTTCCTTGGACTCTT[C>G]TCTTTGCTGGTTCTGCAAAGTATGGCTACAGGGGCCACTTTCCCTGAGGAAGCCATTGCT-3'
Protein context (NP_001116224.1, residues 1-17): MAFLGL[Phe7Leu]SLLVLQSMAT